The following is an entry in ClinVar:

NM_015443.4(KANSL1):c.2077C>G (p.Pro693Ala)

Gene: KANSL1 (KAT8 regulatory NSL complex subunit 1). Cytogenetic location: 17q21.31.
Variant type: single nucleotide variant.
Coding change: c.2077C>G on transcript NM_015443.4 (MANE Select); coding-DNA position 2077, C replaced by G.
Protein change: p.Pro693Ala; replaces proline 693 with alanine.
Molecular consequence: missense variant.
Genome position (GRCh38, 1-based): chr17:46,039,828, G>C on the plus strand (C>G on the coding strand, the complement: KANSL1 is on the minus strand). VCF-style: chr17-46039828-G-C. GRCh37 (hg19) VCF-style: chr17-44117194-G-C.
Other names: c.2077C>G, p.Pro693Ala (NM_001193465.2, NM_001193466.2, NM_001379198.1); short protein forms P693A.
Identifiers: ClinVar variation 379852 (VCV000379852.2), dbSNP rs1057520758, ClinGen allele CA16607301.

ClinVar aggregate classification (germline): Conflicting classifications of pathogenicity. Review status: criteria provided, conflicting classifications (1 of 4 stars). 2 submissions from 2 submitters: Uncertain significance (1); Likely benign (1). Last evaluated 2023-12-27.

Conditions:
Inborn genetic diseases. Identifiers: MedGen C0950123, MeSH D030342.

Allele frequency attached by ClinVar (database versions not stated): gnomAD exomes below 0.00001; gnomAD 0.00001; TOPMed 0.00001.
gnomAD v4.1: 4 of 1,614,050 alleles (0.00025%); highest among the groups gnomAD compares: East Asian, 0.0067%; no homozygotes.

Submissions (2):

Ambry Genetics
Classification: Uncertain significance for Inborn genetic diseases. Last evaluated: 2023-12-27. Review status: criteria provided, single submitter. Criteria: Ambry Variant Classification Scheme 2023. Collection method: clinical testing. Allele origin: germline.

GeneDx
Classification: Likely benign. Last evaluated: 2015-06-16. Review status: criteria provided, single submitter. Criteria: GeneDx Variant Classification (06012015). Collection method: clinical testing. Allele origin: germline. Affected: yes.
Comment: This variant is considered likely benign or benign based on one or more of the following criteria: it is a conservative change, it occurs at a poorly conserved position in the protein, it is predicted to be benign by multiple in silico algorithms, and/or has population frequency not consistent with disease.